The following is an entry in ClinVar:

ClinVar aggregate classification (germline): Likely benign. Review status: criteria provided, multiple submitters, no conflicts (2 of 4 stars). 3 submissions from 3 submitters: Likely benign (3). Last evaluated 2025-07-01.

Conditions:
Inborn genetic diseases. Identifiers: MedGen C0950123, MeSH D030342.

Allele frequency attached by ClinVar (database versions not stated): ExAC 0.00016; gnomAD exomes 0.00016; TOPMed 0.00016; gnomAD 0.00018; ESP Exome Variant Server 0.00023.
gnomAD v4.1: 254 of 1,613,922 alleles (0.016%); highest among the groups gnomAD compares: Non-Finnish European, 0.02%; no homozygotes.

Submissions (3):

CeGaT Center for Human Genetics Tuebingen
Classification: Likely benign. Last evaluated: 2025-07-01. Review status: criteria provided, single submitter. Criteria: CeGaT Center For Human Genetics Tuebingen Variant Classification Criteria Version 2. Collection method: clinical testing. Allele origin: germline. Affected: yes. Observed: 3 variant alleles.
Comment: SPEN: BS1

Laboratory of Genetics, Children's Clinical University Hospital Latvia
Classification: Likely benign. Last evaluated: 2025-02-16. Review status: criteria provided, single submitter. Criteria: ACMG Guidelines, 2015. Collection method: clinical testing. Allele origin: germline. Affected: yes.

Ambry Genetics
Classification: Likely benign for Inborn genetic diseases. Last evaluated: 2022-06-24. Review status: criteria provided, single submitter. Criteria: Ambry Variant Classification Scheme 2023. Collection method: clinical testing. Allele origin: germline.

NM_015001.3(SPEN):c.551A>G (p.Tyr184Cys)

Gene: SPEN (spen family transcriptional repressor; plus strand). Cytogenetic location: 1p36.21.
Variant type: single nucleotide variant.
Coding change: c.551A>G on transcript NM_015001.3 (MANE Select); coding-DNA position 551, A replaced by G.
Protein change: p.Tyr184Cys; replaces tyrosine 184 with cysteine.
Molecular consequence: missense variant.
Genome position (GRCh38, 1-based): chr1:15,876,348, A>G. VCF-style: chr1-15876348-A-G. GRCh37 (hg19) VCF-style: chr1-16202843-A-G.
Other names: short protein forms Y184C.
Identifiers: ClinVar variation 2309375 (VCV002309375.21), dbSNP rs145825452, ClinGen allele CA618888.